The following is an entry in ClinVar:

ClinVar aggregate classification (germline): Uncertain significance (1 of 4 stars; one submission).

Conditions:
Autosomal recessive distal spinal muscular atrophy 2. Also called: NEURONOPATHY, DISTAL HEREDITARY MOTOR, JERASH TYPE; NEUROPATHY, DISTAL HEREDITARY MOTOR, JERASH TYPE; SPINAL MUSCULAR ATROPHY, JERASH TYPE; NEUROPATHY, DISTAL HEREDITARY MOTOR, AUTOSOMAL RECESSIVE 2; Hereditary motor neuropathy, Jerash type; Motor neuropathy, distal, Jerash type. Identifiers: Orphanet 139552, MedGen C1854023, MONDO:0011585, OMIM 605726.
Amyotrophic lateral sclerosis type 16. Also called: AMYOTROPHIC LATERAL SCLEROSIS 16, JUVENILE. Identifiers: Orphanet 300605, MedGen C3280587, MONDO:0013715, OMIM 614373.

Allele frequency attached by ClinVar (database versions not stated): gnomAD exomes below 0.00001.

Submission:

Labcorp Genetics (formerly Invitae), Labcorp
Classification: Uncertain significance for Autosomal recessive distal spinal muscular atrophy 2; Amyotrophic lateral sclerosis type 16. Last evaluated: 2022-06-03. Review status: criteria provided, single submitter. Criteria: Invitae Variant Classification Sherloc (09022015). Collection method: clinical testing. Allele origin: germline.
Comment: In summary, the available evidence is currently insufficient to determine the role of this variant in disease. Therefore, it has been classified as a Variant of Uncertain Significance. Algorithms developed to predict the effect of missense changes on protein structure and function (SIFT, PolyPhen-2, Align-GVGD) all suggest that this variant is likely to be tolerated. ClinVar contains an entry for this variant (Variation ID: 939656). This variant has not been reported in the literature in individuals affected with SIGMAR1-related conditions. This variant is not present in population databases (gnomAD no frequency). This sequence change replaces serine, which is neutral and polar, with phenylalanine, which is neutral and non-polar, at codon 205 of the SIGMAR1 protein (p.Ser205Phe).

NM_005866.4(SIGMAR1):c.614C>T (p.Ser205Phe)

Gene: SIGMAR1 (sigma receptor chaperone 1; minus strand). Cytogenetic location: 9p13.3.
Variant type: single nucleotide variant.
Coding change: c.614C>T on transcript NM_005866.4 (MANE Select); coding-DNA position 614, C replaced by T.
Protein change: p.Ser205Phe; replaces serine 205 with phenylalanine.
Molecular consequence: missense variant. On other transcripts: 3 prime UTR variant (2), non-coding transcript variant (1), intron variant (1).
Genome position (GRCh38, 1-based): chr9:34,635,690, G>A on the plus strand (C>T on the coding strand, the complement: SIGMAR1 is on the minus strand). VCF-style: chr9-34635690-G-A. GRCh37 (hg19) VCF-style: chr9-34635687-G-A.
Other names: c.314C>T, p.Ser105Phe (NM_001282206.2); c.554C>T, p.Ser185Phe (NM_001282207.2); c.*157C>T (NM_001282208.2); c.*141C>T (NM_001282209.2); c.521C>T, p.Ser174Phe (NM_147157.3); c.446-50C>T (NM_001282205.2); short protein forms S174F, S185F, S205F, S105F.
Identifiers: ClinVar variation 939656 (VCV000939656.6), dbSNP rs1820825348, ClinGen allele CA373272169.